The following is an entry in ClinVar:

ClinVar aggregate classification (germline): Uncertain significance (1 of 4 stars; one submission).

gnomAD v4.1: 4 of 1,562,270 alleles (0.00026%); highest among the groups gnomAD compares: Admixed American, 0.004%; no homozygotes.

Submission:

Labcorp Genetics (formerly Invitae), Labcorp
Classification: Uncertain significance. Last evaluated: 2022-07-05. Review status: criteria provided, single submitter. Criteria: Invitae Variant Classification Sherloc (09022015). Collection method: clinical testing. Allele origin: germline.
Comment: In summary, the available evidence is currently insufficient to determine the role of this variant in disease. Therefore, it has been classified as a Variant of Uncertain Significance. Algorithms developed to predict the effect of missense changes on protein structure and function (SIFT, PolyPhen-2, Align-GVGD) all suggest that this variant is likely to be tolerated. This variant has not been reported in the literature in individuals affected with MAST1-related conditions. The frequency data for this variant in the population databases is considered unreliable, as metrics indicate poor data quality at this position in the gnomAD database. This sequence change replaces alanine, which is neutral and non-polar, with serine, which is neutral and polar, at codon 794 of the MAST1 protein (p.Ala794Ser).

NM_014975.3(MAST1):c.2380G>T (p.Ala794Ser)

Genes: MAST1 (microtubule associated serine/threonine kinase 1; plus strand), LOC112543452 (Sharpr-MPRA regulatory region 6054; plus strand). Cytogenetic location: 19p13.13.
Variant type: single nucleotide variant.
Coding change: c.2380G>T on transcript NM_014975.3 (MANE Select); coding-DNA position 2380, G replaced by T.
Protein change: p.Ala794Ser; replaces alanine 794 with serine.
Molecular consequence: missense variant.
Genome position (GRCh38, 1-based): chr19:12,867,791, G>T. VCF-style: chr19-12867791-G-T. GRCh37 (hg19) VCF-style: chr19-12978605-G-T.
Other names: short protein forms A794S.
Identifiers: ClinVar variation 1986350 (VCV001986350.4), dbSNP rs1334592889, ClinGen allele CA404278967.